The following is an entry in ClinVar:

NM_001031710.3(KLHL7):c.664C>A (p.Arg222Ser)

Gene: KLHL7 (kelch like family member 7; plus strand). Cytogenetic location: 7p15.3.
Variant type: single nucleotide variant.
Coding change: c.664C>A on transcript NM_001031710.3 (MANE Select); coding-DNA position 664, C replaced by A.
Protein change: p.Arg222Ser; replaces arginine 222 with serine.
Molecular consequence: missense variant. On other transcripts: non-coding transcript variant (1).
Genome position (GRCh38, 1-based): chr7:23,143,896, C>A. VCF-style: chr7-23143896-C-A. GRCh37 (hg19) VCF-style: chr7-23183515-C-A.
Other names: c.520C>A, p.Arg174Ser (NM_018846.5); short protein forms R174S, R222S.
Identifiers: ClinVar variation 2839666 (VCV002839666.3), dbSNP rs748221520, ClinGen allele CA366977589.

ClinVar aggregate classification (germline): Uncertain significance (1 of 4 stars; one submission).

Submission:

Labcorp Genetics (formerly Invitae), Labcorp
Classification: Uncertain significance. Last evaluated: 2023-05-01. Review status: criteria provided, single submitter. Criteria: Invitae Variant Classification Sherloc (09022015). Collection method: clinical testing. Allele origin: germline.
Comment: This sequence change replaces arginine, which is basic and polar, with serine, which is neutral and polar, at codon 222 of the KLHL7 protein (p.Arg222Ser). This variant is not present in population databases (gnomAD no frequency). This variant has not been reported in the literature in individuals affected with KLHL7-related conditions. An algorithm developed to predict the effect of missense changes on protein structure and function (PolyPhen-2) suggests that this variant is likely to be disruptive. In summary, the available evidence is currently insufficient to determine the role of this variant in disease. Therefore, it has been classified as a Variant of Uncertain Significance.